The following is an entry in ClinVar:

NM_006440.5(TXNRD2):c.103+14dup

Genes: TXNRD2 (thioredoxin reductase 2; minus strand), LOC130066960 (ATAC-STARR-seq lymphoblastoid silent region 13467; plus strand). Cytogenetic location: 22q11.21.
Variant type: Duplication.
Coding change: c.103+14dup on transcript NM_006440.5 (MANE Select); 14 bases into the intron after coding-DNA position 103, one base duplicated (G; older notation c.103+14dupG).
Molecular consequence: intron variant.
Genome position (GRCh38, 1-based): chr22:19,941,684, C duplicated on the plus strand (G on the coding strand, the reverse complement: TXNRD2 is on the minus strand); the first of 4 consecutive C bases (chr22:19,941,684-19,941,687); duplicating any one gives the same sequence. VCF-style (leftmost placement, unchanged base first): chr22-19941683-G-GC. GRCh37 (hg19) VCF-style: chr22-19929206-G-GC.
Other names: c.103+17dup (LRG_417t1); c.103+14dup (NM_001352300.2, NM_001282512.3); c.103+17dupG (NM_006440.3).
Identifiers: ClinVar variation 422808 (VCV000422808.13), dbSNP rs756452923, ClinGen allele CA10104404.
Genomic context (GRCh38, chr22:19,941,683, plus strand): 5'-ACCGCCGCGCGGACACCCTCACGAGGACACCCCGGCCGCGCGGACACCTACCGCGGGGAC[G>GC]CCCCGACCCCATCCTACCTGCTGCGCCCCGCGCCGCGCCCCGCACCCCGCCCGCCACGGC-3'

ClinVar aggregate classification (germline): Benign/Likely benign. Review status: criteria provided, multiple submitters, no conflicts (2 of 4 stars). 2 submissions from 2 submitters: Benign (1); Likely benign (1). Last evaluated 2025-12-31.

Conditions:
Primary dilated cardiomyopathy (DCM). Also called: Dilated Cardiomyopathy. Identifiers: Orphanet 217604, MedGen C0007193, MeSH D002311, MONDO:0005021, HP:0001644. Inheritance: Various modes of inheritance.

Submissions (2):

Labcorp Genetics (formerly Invitae), Labcorp
Classification: Benign for Primary dilated cardiomyopathy. Last evaluated: 2025-12-31. Review status: criteria provided, single submitter. Criteria: Invitae Variant Classification Sherloc (09022015). Collection method: clinical testing. Allele origin: germline.

GeneDx
Classification: Likely benign. Last evaluated: 2017-12-26. Review status: criteria provided, single submitter. Criteria: GeneDx Variant Classification (06012015). Collection method: clinical testing. Allele origin: germline. Affected: yes.
Comment: This variant is considered likely benign or benign based on one or more of the following criteria: it is a conservative change, it occurs at a poorly conserved position in the protein, it is predicted to be benign by multiple in silico algorithms, and/or has population frequency not consistent with disease.